The following is an entry in ClinVar:

NM_213599.3(ANO5):c.1103C>T (p.Thr368Met)

Gene: ANO5 (anoctamin 5; plus strand). Cytogenetic location: 11p14.3.
Variant type: single nucleotide variant.
Coding change: c.1103C>T on transcript NM_213599.3 (MANE Select); coding-DNA position 1103, C replaced by T.
Protein change: p.Thr368Met; replaces threonine 368 with methionine.
Molecular consequence: missense variant.
Genome position (GRCh38, 1-based): chr11:22,250,830, C>T. VCF-style: chr11-22250830-C-T. GRCh37 (hg19) VCF-style: chr11-22272376-C-T.
Other names: c.1100C>T, p.Thr367Met (NM_001142649.2); c.1103C>T (NM_213599.2); short protein forms T368M, T367M.
Identifiers: ClinVar variation 286019 (VCV000286019.14), dbSNP rs760792371, ClinGen allele CA5923127.

ClinVar aggregate classification (germline): Conflicting classifications of pathogenicity. Review status: criteria provided, conflicting classifications (1 of 4 stars). 6 submissions from 6 submitters: Pathogenic (1); Likely pathogenic (2); Uncertain significance (3). Last evaluated 2025-05-27.

Conditions:
Autosomal recessive limb-girdle muscular dystrophy. Identifiers: Orphanet 102015, MedGen C2931907, MONDO:0015152.
Autosomal recessive limb-girdle muscular dystrophy type 2L (LGMDR12). Also called: Limb-girdle muscular dystrophy, type 2L; Limb-Girdle Muscular Dystrophy R12 Anoctamin-5-Related (LGMD-R12); MUSCULAR DYSTROPHY, LIMB-GIRDLE, AUTOSOMAL RECESSIVE 12. Identifiers: Orphanet 206549, MedGen C1969785, MONDO:0012652, OMIM 611307.
Gnathodiaphyseal dysplasia (GDD). Also called: GNATHODIAPHYSEAL SCLEROSIS; OSTEOGENESIS IMPERFECTA WITH UNUSUAL SKELETAL LESIONS. Identifiers: Orphanet 53697, MedGen C1833736, MONDO:0008151, OMIM 166260.
Miyoshi muscular dystrophy 3 (MMD3). Also called: Miyoshi Muscular Dystrophy 3 (MMD3); Miyoshi myopathy 3. Identifiers: Orphanet 399096, MedGen C2750076, MONDO:0013222, OMIM 613319.

Allele frequency attached by ClinVar (database versions not stated): gnomAD 0.00001; ExAC 0.00002; gnomAD exomes 0.00002 and 0.00004; TOPMed 0.00002.
gnomAD v4.1: 12 of 1,613,874 alleles (0.00074%); highest among the groups gnomAD compares: East Asian, 0.013%; no homozygotes.

Submissions (6):

Women's Health and Genetics/Laboratory Corporation of America, LabCorp
Classification: Likely pathogenic for Autosomal recessive limb-girdle muscular dystrophy. Last evaluated: 2025-05-27. Review status: criteria provided, single submitter. Criteria: LabCorp Variant Classification Summary - May 2015. Collection method: clinical testing. Allele origin: germline.
Comment: Variant summary: ANO5 c.1103C>T (p.Thr368Met) results in a non-conservative amino acid change located in the Anoctamin, transmembrane domain (IPR049452) of the encoded protein sequence. Algorithms developed to predict the effect of missense changes on protein structure and function all suggest that this variant is likely to be disruptive. The variant allele was found at a frequency of 4.4e-05 in 251100 control chromosomes. This frequency is not significantly higher than estimated for a pathogenic variant in ANO5 causing Limb-Girdle Muscular Dystrophy, Autosomal Recessive (4.4e-05 vs 0.0047), allowing no conclusion about variant significance. c.1103C>T has been observed in individual(s) affected with Limb-Girdle Muscular Dystrophy, Autosomal Recessive (Cai_2019, TenDam_2019, Abolhassani_2024, internal data). These data indicate that the variant is likely to be associated with disease. To our knowledge, no experimental evidence demonstrating an impact on protein function has been reported. The following publications have been ascertained in the context of this evaluation (PMID: 31350120, 30919934, 38374194). ClinVar contains an entry for this variant (Variation ID: 286019). Based on the evidence outlined above, the variant was classified as likely pathogenic.

Labcorp Genetics (formerly Invitae), Labcorp
Classification: Pathogenic for Autosomal recessive limb-girdle muscular dystrophy type 2L; Gnathodiaphyseal dysplasia. Last evaluated: 2024-08-05. Review status: criteria provided, single submitter. Criteria: Invitae Variant Classification Sherloc (09022015). Collection method: clinical testing. Allele origin: germline.
Comment: This sequence change replaces threonine, which is neutral and polar, with methionine, which is neutral and non-polar, at codon 368 of the ANO5 protein (p.Thr368Met). This variant is present in population databases (rs760792371, gnomAD 0.05%). This missense change has been observed in individual(s) with clinical features of autosomal recessive ANO5-related conditions (PMID: 30919934, 31350120; Invitae). In at least one individual the data is consistent with being in trans (on the opposite chromosome) from a pathogenic variant. ClinVar contains an entry for this variant (Variation ID: 286019). Advanced modeling of protein sequence and biophysical properties (such as structural, functional, and spatial information, amino acid conservation, physicochemical variation, residue mobility, and thermodynamic stability) performed at Invitae indicates that this missense variant is expected to disrupt ANO5 protein function with a positive predictive value of 95%. For these reasons, this variant has been classified as Pathogenic.

Fulgent Genetics
Classification: Likely pathogenic for Gnathodiaphyseal dysplasia; Autosomal recessive limb-girdle muscular dystrophy type 2L; Miyoshi muscular dystrophy 3. Last evaluated: 2024-05-09. Review status: criteria provided, single submitter. Criteria: ACMG Guidelines, 2015. Collection method: clinical testing. Allele origin: germline.

Revvity Omics, Revvity
Classification: Uncertain significance. Last evaluated: 2024-04-17. Review status: criteria provided, single submitter. Criteria: ACMG Guidelines, 2015. Collection method: clinical testing. Allele origin: germline.

Kariminejad - Najmabadi Pathology & Genetics Center
Classification: Uncertain significance for Miyoshi muscular dystrophy 3; Autosomal recessive limb-girdle muscular dystrophy type 2L. Last evaluated: 2019-11-24. Review status: criteria provided, single submitter. Criteria: ACMG Guidelines, 2015. Collection method: clinical testing. Allele origin: germline. Inheritance: Autosomal recessive inheritance. Affected: yes.
Comment: PM2, PP3, PM3

Eurofins Ntd Llc (ga)
Classification: Uncertain significance. Last evaluated: 2016-02-02. Review status: criteria provided, single submitter. Criteria: EGL Classification Definitions 2015. Collection method: clinical testing. Allele origin: germline. Observed: 1 variant allele, 1 heterozygote.

Literature cited by the submitters: PubMed 30919934 (cited by Women's Health and Genetics/Laboratory Corporation of America, LabCorp and Labcorp Genetics (formerly Invitae), Labcorp); PubMed 31350120 (cited by Women's Health and Genetics/Laboratory Corporation of America, LabCorp and Labcorp Genetics (formerly Invitae), Labcorp); PubMed 38374194 (cited by Women's Health and Genetics/Laboratory Corporation of America, LabCorp).